The following is an entry in ClinVar:

NM_002734.5(PRKAR1A):c.965A>C (p.Asp322Ala)

Gene: PRKAR1A (protein kinase cAMP-dependent type I regulatory subunit alpha; plus strand). Cytogenetic location: 17q24.2.
Variant type: single nucleotide variant.
Coding change: c.965A>C on transcript NM_002734.5 (MANE Select); coding-DNA position 965, A replaced by C.
Protein change: p.Asp322Ala; replaces aspartic acid 322 with alanine.
Molecular consequence: missense variant.
Genome position (GRCh38, 1-based): chr17:68,529,993, A>C. VCF-style: chr17-68529993-A-C. GRCh37 (hg19) VCF-style: chr17-66526134-A-C.
Other names: c.965A>C, p.Asp322Ala (NM_001276289.2, NM_001276290.1, NM_001278433.2 and 4 more transcripts); short protein forms D322A.
Identifiers: ClinVar variation 5027338 (VCV005027338.1).
Genomic context (GRCh38, chr17:68,529,993, plus strand): 5'-TGCTACAACGTCGGTCAGAAAATGAAGAGTTTGTTGAAGTGGGAAGATTGGGGCCTTCTG[A>C]TTATTTTGGTATGTATGAATTCCCTCACAATAAATACATGGTTTCTTTAAGTCACCTCTC-3'
Protein context (NP_002725.1, residues 312-332): FVEVGRLGPS[Asp322Ala]YFGEIALLMN

ClinVar aggregate classification (germline): Uncertain significance (1 of 4 stars; one submission).

Conditions:
Hereditary cancer-predisposing syndrome. Also called: Neoplastic Syndromes, Hereditary; Tumor predisposition; Hereditary neoplastic syndrome; Hereditary Cancer Syndrome. Identifiers: Orphanet 140162, MedGen C0027672, MeSH D009386, MONDO:0015356.

Submission:

Ambry Genetics
Classification: Uncertain significance for Hereditary cancer-predisposing syndrome. Last evaluated: 2026-07-07. Review status: criteria provided, single submitter. Criteria: Ambry Variant Classification Scheme 2023. Collection method: clinical testing. Allele origin: germline.
Comment: The p.D322A variant (also known as c.965A>C), located in coding exon 9 of the PRKAR1A gene, results from an A to C substitution at nucleotide position 965. The aspartic acid at codon 322 is replaced by alanine, an amino acid with dissimilar properties. This amino acid position is conserved. In addition, this alteration is predicted to be deleterious by in silico analysis. Based on the available evidence, the clinical significance of this variant remains unclear.